The following is an entry in ClinVar:

ClinVar aggregate classification (germline): Uncertain significance. Review status: criteria provided, multiple submitters, no conflicts (2 of 4 stars). 4 submissions from 4 submitters: Uncertain significance (4). Last evaluated 2025-06-17.

Conditions:
Inborn genetic diseases. Identifiers: MedGen C0950123, MeSH D030342.

Allele frequency attached by ClinVar (database versions not stated): gnomAD 0.00001; gnomAD exomes 0.00001; TOPMed 0.00001.
gnomAD v4.1: 8 of 1,610,332 alleles (0.0005%); highest among the groups gnomAD compares: Non-Finnish European, 0.00068%; no homozygotes.

Submissions (4):

Women's Health and Genetics/Laboratory Corporation of America, LabCorp
Classification: Uncertain significance. Last evaluated: 2025-06-17. Review status: criteria provided, single submitter. Criteria: LabCorp Variant Classification Summary - May 2015. Collection method: clinical testing. Allele origin: germline.
Comment: Variant summary: CACNA1A c.5657C>G (p.Ala1886Gly) results in a non-conservative amino acid change in the encoded protein sequence. Algorithms developed to predict the effect of missense changes on protein structure and function are either unavailable or do not agree on the potential impact of this missense change. The variant was absent in 239866 control chromosomes. The available data on variant occurrences in the general population are insufficient to allow any conclusion about variant significance. To our knowledge, no occurrence of c.5657C>G in individuals affected with Epileptic Encephalopathy, Early Infantile, 42 and no experimental evidence demonstrating its impact on protein function have been reported. ClinVar contains an entry for this variant (Variation ID: 1723619). Based on the evidence outlined above, the variant was classified as uncertain significance.

GeneDx
Classification: Uncertain significance. Last evaluated: 2022-10-27. Review status: criteria provided, single submitter. Criteria: GeneDx Variant Classification Process June 2021. Collection method: clinical testing. Allele origin: germline. Affected: yes.
Comment: Not observed at significant frequency in large population cohorts (gnomAD); In silico analysis supports that this missense variant has a deleterious effect on protein structure/function; Has not been previously published as pathogenic or benign to our knowledge

Blueprint Genetics
Classification: Uncertain significance. Last evaluated: 2021-03-10. Review status: criteria provided, single submitter. Criteria: ACMG Guidelines, 2015. Collection method: clinical testing. Allele origin: germline.

Ambry Genetics
Classification: Uncertain significance for Inborn genetic diseases. Last evaluated: 2019-09-20. Review status: criteria provided, single submitter. Criteria: Ambry Variant Classification Scheme 2023. Collection method: clinical testing. Allele origin: germline.
Comment: The p.A1886G variant (also known as c.5657C>G), located in coding exon 38 of the CACNA1A gene, results from a C to G substitution at nucleotide position 5657. The alanine at codon 1886 is replaced by glycine, an amino acid with similar properties. This amino acid position is well conserved in available vertebrate species. In addition, the in silico prediction for this alteration is inconclusive. Since supporting evidence is limited at this time, the clinical significance of this alteration remains unclear.

NM_001127222.2(CACNA1A):c.5654C>G (p.Ala1885Gly)

Gene: CACNA1A (calcium voltage-gated channel subunit alpha1 A; minus strand). Cytogenetic location: 19p13.13.
Variant type: single nucleotide variant.
Coding change: c.5654C>G on transcript NM_001127222.2 (MANE Select); coding-DNA position 5654, C replaced by G.
Protein change: p.Ala1885Gly; replaces alanine 1885 with glycine.
Molecular consequence: missense variant.
Genome position (GRCh38, 1-based): chr19:13,224,744, G>C on the plus strand (C>G on the coding strand, the complement: CACNA1A is on the minus strand). VCF-style: chr19-13224744-G-C. GRCh37 (hg19) VCF-style: chr19-13335558-G-C.
Other names: c.5672C>G, p.Ala1891Gly (NM_000068.4, NM_023035.3); c.5657C>G, p.Ala1886Gly (NM_001127221.2); c.5663C>G, p.Ala1888Gly (NM_001174080.2); short protein forms A1885G, A1886G, A1888G, A1891G.
Identifiers: ClinVar variation 1723619 (VCV001723619.6), dbSNP rs2055370745, ClinGen allele CA404337188.
Genomic context (GRCh38, chr19:13,224,744, plus strand): 5'-TCCAGGGCTGTGCGGATCAGAGCCATGAGGGTGGAATTGAAGTGGACGGTGTTGTCATCT[G>C]CGACGGGCAGGTCCATCCGCAGAAGCCGCTACAGAAAACCCAAGGCAAGCGCAGTCATTC-3'
Protein context (NP_001120694.1, residues 1875-1895): KRLLRMDLPV[Ala1885Gly]DDNTVHFNST